The following is an entry in ClinVar:

NM_000301.5(PLG):c.185+14C>A

Gene: PLG (plasminogen; plus strand). Cytogenetic location: 6q26.
Variant type: single nucleotide variant.
Coding change: c.185+14C>A on transcript NM_000301.5 (MANE Select); 14 bases into the intron after coding-DNA position 185, C replaced by A.
Molecular consequence: intron variant.
Genome position (GRCh38, 1-based): chr6:160,706,556, C>A. VCF-style: chr6-160706556-C-A. GRCh37 (hg19) VCF-style: chr6-161127588-C-A.
Other names: c.185+14C>A (NM_001168338.1).
Identifiers: ClinVar variation 1050571 (VCV001050571.8), dbSNP rs369616302, ClinGen allele CA4087317.

ClinVar aggregate classification (germline): Conflicting classifications of pathogenicity. Review status: criteria provided, conflicting classifications (1 of 4 stars). 4 submissions from 4 submitters: Uncertain significance (1); Likely benign (2). 1 of the submissions does not count toward it. Last evaluated 2025-08-28.

Conditions:
Angioedema, hereditary, 4. Identifiers: MedGen C5543503, MONDO:0025712, OMIM 619360.
Plasminogen deficiency, type I. Also called: Hypoplasminogenemia; Type 1 plasminogen deficiency. Identifiers: Orphanet 722, MedGen C1968804, MONDO:0009009, OMIM 217090.

Allele frequency attached by ClinVar (database versions not stated): ESP Exome Variant Server 0.00008; 1000 Genomes Project 30x 0.00016; 1000 Genomes Project 0.00020.
gnomAD v4.1: 59 of 1,611,682 alleles (0.0037%); highest among the groups gnomAD compares: African/African-American, 0.069%; no homozygotes.

Submissions (4):

Labcorp Genetics (formerly Invitae), Labcorp
Classification: Likely benign. Last evaluated: 2025-08-28. Review status: criteria provided, single submitter. Criteria: Invitae Variant Classification Sherloc (09022015). Collection method: clinical testing. Allele origin: germline.

Blueprint Genetics
Classification: Likely benign. Last evaluated: 2023-08-15. Review status: criteria provided, single submitter. Criteria: ACMG Guidelines, 2015. Collection method: clinical testing. Allele origin: germline.

Fulgent Genetics
Classification: Uncertain significance for Plasminogen deficiency, type I; Angioedema, hereditary, 4. Last evaluated: 2022-02-10. Review status: criteria provided, single submitter. Criteria: ACMG Guidelines, 2015. Collection method: clinical testing. Allele origin: unknown.

Department of Pathology and Laboratory Medicine, Sinai Health System
Classification: Uncertain significance. Review status: no assertion criteria provided. Collection method: clinical testing. Allele origin: unknown. Affected: yes. Study: The Canadian Open Genetics Repository (COGR). Not counted in ClinVar's aggregate classification.
Comment: The PLG c.185+14C>A variant was not identified in the literature nor was it identified in ClinVar, Cosmic or LOVD 3.0. The variant was identified in dbSNP (ID: rs369616302) and in control databases in 21 of 282324 chromosomes at a frequency of 0.000074 (Genome Aggregation Database Feb 27, 2017). The variant was observed in the following populations: African in 16 of 24958 chromosomes (freq: 0.000641), Other in 1 of 7208 chromosomes (freq: 0.000139) and Latino in 4 of 35414 chromosomes (freq: 0.000113), while the variant was not observed in the Ashkenazi Jewish, East Asian, European (Finnish), European (non-Finnish) or South Asian populations. Although the variant occurs outside of the splicing consensus sequence, 3 of 4 in silico or computational prediction software programs (SpliceSiteFinder, MaxEntScan, NNSPLICE) predict a greater than 10% difference in splicing and the creation of a new 3' splice site. However, this information is not predictive enough to assume pathogenicity. In summary, based on the above information the clinical significance of this variant cannot be determined with certainty at this time. This variant is classified as a variant of uncertain significance.